The following is an entry in ClinVar:

NM_021922.3(FANCE):c.551del (p.Pro184fs)

Gene: FANCE (FA complementation group E; plus strand). Cytogenetic location: 6p21.31.
Variant type: Deletion.
Coding change: c.551del on transcript NM_021922.3 (MANE Select); coding-DNA position 551, one base deleted (C; older notation c.551delC).
Protein change: p.Pro184fs; shifts the reading frame from proline 184.
Molecular consequence: frameshift variant.
Genome position (GRCh38, 1-based): chr6:35,456,049, C deleted; the last of 2 consecutive C bases (chr6:35,456,048-35,456,049); deleting either gives the same sequence. VCF-style (leftmost placement, unchanged base first): chr6-35456047-TC-T. GRCh37 (hg19) VCF-style: chr6-35423824-TC-T.
Other names: c.551del, p.Pro184fs (NM_001410876.1); short protein forms P184fs.
Identifiers: ClinVar variation 3902008 (VCV003902008.1).

ClinVar aggregate classification (germline): Likely pathogenic (1 of 4 stars; one submission).

Conditions:
Fanconi anemia complementation group E (FANCE). Also called: FANCE-Related Fanconi Anemia. Identifiers: Orphanet 84, MedGen C3160739, MONDO:0010953, OMIM 600901.

Submission:

Laboratorio de Genetica e Diagnostico Molecular, Hospital Israelita Albert Einstein
Classification: Likely pathogenic for Fanconi anemia complementation group E. Last evaluated: 2024-06-10. Review status: criteria provided, single submitter. Criteria: ACMG Guidelines, 2015. Collection method: clinical testing. Allele origin: germline. Affected: yes.
Comment: ACMG classification criteria: PVS1 very strong, PM2 supporting